The following is an entry in ClinVar:

NM_000218.3(KCNQ1):c.1281A>G (p.Lys427=)

Gene: KCNQ1 (potassium voltage-gated channel subfamily Q member 1; plus strand). Cytogenetic location: 11p15.5.
Variant type: single nucleotide variant.
Coding change: c.1281A>G on transcript NM_000218.3 (MANE Select); coding-DNA position 1281, A replaced by G.
Protein change: p.Lys427=; no amino-acid change (lysine 427 retained).
Molecular consequence: synonymous variant.
Genome position (GRCh38, 1-based): chr11:2,588,742, A>G. VCF-style: chr11-2588742-A-G. GRCh37 (hg19) VCF-style: chr11-2609972-A-G.
Other names: c.1185A>G, p.Lys395= (NM_001406836.1); c.1011A>G, p.Lys337= (NM_001406837.1); c.741A>G, p.Lys247= (NM_001406838.1); c.900A>G, p.Lys300= (NM_181798.2).
Identifiers: ClinVar variation 629490 (VCV000629490.12), dbSNP rs763197403, ClinGen allele CA028450.

ClinVar aggregate classification (germline): Likely benign. Review status: criteria provided, multiple submitters, no conflicts (2 of 4 stars). 5 submissions from 5 submitters: Likely benign (5). Last evaluated 2026-01-24.

Conditions:
Cardiovascular phenotype. Identifiers: MedGen CN230736.
Cardiac arrhythmia. Also called: Arrhythmia; Cardiac rhythm disease. Identifiers: MedGen C0003811, MONDO:0007263, HP:0011675.
Long QT syndrome (LQTS). Identifiers: MedGen C0023976, MeSH D008133, MONDO:0002442. Disease mechanism: loss of function. Inheritance: Various modes of inheritance.

Allele frequency attached by ClinVar (database versions not stated): gnomAD 0.00001; gnomAD exomes 0.00001 and 0.00002; ExAC 0.00001.
gnomAD v4.1: 23 of 1,613,692 alleles (0.0014%); highest among the groups gnomAD compares: East Asian, 0.047%; no homozygotes.

Submissions (5):

Labcorp Genetics (formerly Invitae), Labcorp
Classification: Likely benign for Long QT syndrome. Last evaluated: 2026-01-24. Review status: criteria provided, single submitter. Criteria: Invitae Variant Classification Sherloc (09022015). Collection method: clinical testing. Allele origin: germline.

All of Us Research Program, National Institutes of Health
Classification: Likely benign for Long QT syndrome. Last evaluated: 2023-12-01. Review status: criteria provided, single submitter. Criteria: ACMG Guidelines, 2015. Collection method: clinical testing. Allele origin: germline. Inheritance: Autosomal dominant inheritance. Observed: 3 variant alleles, 3 heterozygotes.
Comment: This study involves interpretation of variants in research participants for the purpose of population health screening. Participant phenotype was not available at the time of variant classification. Additional details can be found in publication PMID: 35346344, PMCID: PMC8962531

Ambry Genetics
Classification: Likely benign for Cardiovascular phenotype. Last evaluated: 2021-07-09. Review status: criteria provided, single submitter. Criteria: Ambry Variant Classification Scheme 2023. Collection method: clinical testing. Allele origin: germline.

Color Diagnostics, LLC DBA Color Health
Classification: Likely benign for Arrhythmia. Last evaluated: 2018-10-08. Review status: criteria provided, single submitter. Criteria: ACMG Guidelines, 2015. Collection method: clinical testing. Allele origin: germline.

GeneDx
Classification: Likely benign. Last evaluated: 2018-05-10. Review status: criteria provided, single submitter. Criteria: GeneDx Variant Classification (06012015). Collection method: clinical testing. Allele origin: germline. Affected: yes.
Comment: This variant is considered likely benign or benign based on one or more of the following criteria: it is a conservative change, it occurs at a poorly conserved position in the protein, it is predicted to be benign by multiple in silico algorithms, and/or has population frequency not consistent with disease.